The following is an entry in ClinVar:

NM_001972.4(ELANE):c.547C>T (p.Arg183Cys)

Gene: ELANE (elastase, neutrophil expressed; plus strand). Cytogenetic location: 19p13.3.
Variant type: single nucleotide variant.
Coding change: c.547C>T on transcript NM_001972.4 (MANE Select); coding-DNA position 547, C replaced by T.
Protein change: p.Arg183Cys; replaces arginine 183 with cysteine.
Molecular consequence: missense variant.
Genome position (GRCh38, 1-based): chr19:855,744, C>T. VCF-style: chr19-855744-C-T. GRCh37 (hg19) VCF-style: chr19-855744-C-T.
Other names: short protein forms R183C.
Identifiers: ClinVar variation 3761648 (VCV003761648.3).

ClinVar aggregate classification (germline): Uncertain significance. Review status: criteria provided, multiple submitters, no conflicts (2 of 4 stars). 2 submissions from 2 submitters: Uncertain significance (2). Last evaluated 2025-09-26.

Conditions:
Inborn genetic diseases. Identifiers: MedGen C0950123, MeSH D030342.
Neutropenia, severe congenital, 1, autosomal dominant. Identifiers: MedGen C1859966, MONDO:0042490, OMIM 202700.
Cyclical neutropenia. Also called: Cyclic hematopoiesis; Cyclic Neutropenia. Identifiers: Orphanet 2686, MedGen C0221023, MONDO:0008090, OMIM 162800, HP:0040289. Disease mechanism: loss of function.

gnomAD v4.1: 2 of 1,609,616 alleles (0.00012%); highest among the groups gnomAD compares: Non-Finnish European, 0.00017%; no homozygotes.

Submissions (2):

Ambry Genetics
Classification: Uncertain significance for Inborn genetic diseases. Last evaluated: 2025-09-26. Review status: criteria provided, single submitter. Criteria: Ambry Variant Classification Scheme 2023. Collection method: clinical testing. Allele origin: germline.
Comment: The p.R183C variant (also known as c.547C>T), located in coding exon 4 of the ELANE gene, results from a C to T substitution at nucleotide position 547. The arginine at codon 183 is replaced by cysteine, an amino acid with highly dissimilar properties. This amino acid position is conserved. In addition, the in silico prediction for this alteration is inconclusive. Based on the available evidence, the clinical significance of this variant remains unclear.

Labcorp Genetics (formerly Invitae), Labcorp
Classification: Uncertain significance for Neutropenia, severe congenital, 1, autosomal dominant; Cyclical neutropenia. Last evaluated: 2024-06-10. Review status: criteria provided, single submitter. Criteria: Invitae Variant Classification Sherloc (09022015). Collection method: clinical testing. Allele origin: germline.
Comment: This sequence change replaces arginine, which is basic and polar, with cysteine, which is neutral and slightly polar, at codon 183 of the ELANE protein (p.Arg183Cys). This variant is not present in population databases (gnomAD no frequency). This variant has not been reported in the literature in individuals affected with ELANE-related conditions. Advanced modeling of protein sequence and biophysical properties (such as structural, functional, and spatial information, amino acid conservation, physicochemical variation, residue mobility, and thermodynamic stability) performed at Invitae indicates that this missense variant is not expected to disrupt ELANE protein function with a negative predictive value of 80%. In summary, the available evidence is currently insufficient to determine the role of this variant in disease. Therefore, it has been classified as a Variant of Uncertain Significance.